The following is an entry in ClinVar:

NM_000208.4(INSR):c.*1116G>A

Gene: INSR (insulin receptor; minus strand). Cytogenetic location: 19p13.2.
Variant type: single nucleotide variant.
Coding change: c.*1116G>A on transcript NM_000208.4 (MANE Select); 1116 bases downstream of the stop codon, G replaced by A.
Molecular consequence: 3 prime UTR variant.
Genome position (GRCh38, 1-based): chr19:7,115,940, C>T on the plus strand (G>A on the coding strand, the complement: INSR is on the minus strand). VCF-style: chr19-7115940-C-T. GRCh37 (hg19) VCF-style: chr19-7115951-C-T.
Other names: c.*1116G>A (NM_001079817.3).
Identifiers: ClinVar variation 330410 (VCV000330410.5), dbSNP rs146905190, ClinGen allele CA10652859.

ClinVar aggregate classification (germline): Likely benign. Review status: criteria provided, single submitter (1 of 4 stars). 3 submissions from 1 submitter: Likely benign (3). Last evaluated 2018-01-13.

Conditions:
Rabson-Mendenhall syndrome. Also called: MENDENHALL SYNDROME; Pineal Hyperplasia, Insulin-Resistant Diabetes Mellitus, and Somatic Abnormalities; Pineal hyperplasia AND diabetes mellitus syndrome. Identifiers: Orphanet 769, MedGen C0271695, MONDO:0009874, OMIM 262190.
Insulin-resistant diabetes mellitus AND acanthosis nigricans. Also called: Insulin-resistance syndrome type A; INSULIN RECEPTOR, DEFECT IN, WITH INSULIN-RESISTANT DIABETES MELLITUS AND ACANTHOSIS NIGRICANS; IRAN, TYPE A; type A insulin resistance; DIABETES MELLITUS, INSULIN-RESISTANT, WITH ACANTHOSIS NIGRICANS, TYPE A. Identifiers: Orphanet 2297, MedGen C0342278, MONDO:0012520, OMIM 610549.
Leprechaunism syndrome. Also called: Donohue syndrome; LEPRECHAUNISM. Identifiers: Orphanet 508, MedGen C0265344, MONDO:0009517, OMIM 246200.

Allele frequency attached by ClinVar (database versions not stated): gnomAD 0.00051 and 0.00071; TOPMed 0.00067; 1000 Genomes Project 30x 0.00328; 1000 Genomes Project 0.00339.

Submissions (3):

Illumina Laboratory Services, Illumina
Classification: Likely benign for Leprechaunism syndrome. Last evaluated: 2018-01-13. Review status: criteria provided, single submitter. Criteria: ICSL Variant Classification Criteria 13 December 2019. Collection method: clinical testing. Allele origin: germline.
Comment: This variant was observed in the ICSL laboratory as part of a predisposition screen in an ostensibly healthy population. It had not been previously curated by ICSL or reported in the Human Gene Mutation Database (HGMD: prior to June 1st, 2018), and was therefore a candidate for classification through an automated scoring system. Utilizing variant allele frequency, disease prevalence and penetrance estimates, and inheritance mode, an automated score was calculated to assess if this variant is too frequent to cause the disease. Based on the score and internal cut-off values, a variant classified as likely benign is not then subjected to further curation. The score for this variant resulted in a classification of likely benign for this disease.

Illumina Laboratory Services, Illumina
Classification: Likely benign for Insulin-resistant diabetes mellitus AND acanthosis nigricans. Last evaluated: 2018-01-13. Review status: criteria provided, single submitter. Criteria: ICSL Variant Classification Criteria 13 December 2019. Collection method: clinical testing. Allele origin: germline.
Comment: the same text as in the submission from Illumina Laboratory Services, Illumina above.

Illumina Laboratory Services, Illumina
Classification: Likely benign for Rabson-Mendenhall syndrome. Last evaluated: 2018-01-13. Review status: criteria provided, single submitter. Criteria: ICSL Variant Classification Criteria 13 December 2019. Collection method: clinical testing. Allele origin: germline.
Comment: the same text as in the submission from Illumina Laboratory Services, Illumina above.